The following is an entry in ClinVar:

ClinVar aggregate classification (germline): Uncertain significance (1 of 4 stars; one submission).

Conditions:
Inborn genetic diseases. Identifiers: MedGen C0950123, MeSH D030342.

Allele frequency attached by ClinVar (database versions not stated): gnomAD exomes below 0.00001.
gnomAD v4.1: 3 of 1,614,068 alleles (0.00019%); highest among the groups gnomAD compares: Non-Finnish European, 0.00017%; no homozygotes.

Submission:

Ambry Genetics
Classification: Uncertain significance for Inborn genetic diseases. Last evaluated: 2023-07-29. Review status: criteria provided, single submitter. Criteria: Ambry Variant Classification Scheme 2023. Collection method: clinical testing. Allele origin: germline.
Comment: The p.R1968S variant (also known as c.5904A>T), located in coding exon 40 of the LRRK2 gene, results from an A to T substitution at nucleotide position 5904. The arginine at codon 1968 is replaced by serine, an amino acid with dissimilar properties. This amino acid position is conserved. In addition, this alteration is predicted to be deleterious by in silico analysis. Since supporting evidence is limited at this time, the clinical significance of this alteration remains unclear.

NM_198578.4(LRRK2):c.5904A>T (p.Arg1968Ser)

Gene: LRRK2 (leucine rich repeat kinase 2; plus strand). Cytogenetic location: 12q12.
Variant type: single nucleotide variant.
Coding change: c.5904A>T on transcript NM_198578.4 (MANE Select); coding-DNA position 5904, A replaced by T.
Protein change: p.Arg1968Ser; replaces arginine 1968 with serine.
Molecular consequence: missense variant.
Genome position (GRCh38, 1-based): chr12:40,335,113, A>T. VCF-style: chr12-40335113-A-T. GRCh37 (hg19) VCF-style: chr12-40728915-A-T.
Other names: short protein forms R1968S.
Identifiers: ClinVar variation 2624873 (VCV002624873.2), dbSNP rs2499930808, ClinGen allele CA384402351.